The following is an entry in ClinVar:

ClinVar aggregate classification (germline): Uncertain significance (1 of 4 stars; one submission).

Conditions:
Sotos syndrome (SOTOS). Also called: Distinctive facial appearance, overgrowth in childhood, and learning disabilities or delayed development; CHROMOSOME 5q35 DELETION SYNDROME; CEREBRAL GIGANTISM; SOTOS SYNDROME 1; Sotos' syndrome. Identifiers: Orphanet 821, MedGen C0175695, MONDO:0019349, OMIM 117550.

gnomAD v4.1: 3 of 1,614,092 alleles (0.00019%); highest among the groups gnomAD compares: Admixed American, 0.0017%; no homozygotes.

Submission:

OLLIN Analises Genomicas, OLLIN
Classification: Uncertain significance for Sotos syndrome. Last evaluated: 2026-08-06. Review status: criteria provided, single submitter. Criteria: ACMG Guidelines 2015 PMID 25741868. Collection method: clinical testing. Allele origin: germline. Inheritance: Autosomal dominant inheritance.
Comment: This missense variant, located in exon 18 (of 23), has been observed in gnomAD with an allele frequency of 0.00019%, but has not been reported in ClinVar or identified in the literature. In silico analysis predicts that this variant has a tolerated effect. This gene is constrained for missense variation. According to the currently available evidence, this variant has been classified as uncertain significance (PP2, BP4).

NM_022455.5(NSD1):c.5623G>A (p.Val1875Ile)

Gene: NSD1 (nuclear receptor binding SET domain protein 1; plus strand). Cytogenetic location: 5q35.3.
Variant type: single nucleotide variant.
Coding change: c.5623G>A on transcript NM_022455.5 (MANE Select); coding-DNA position 5623, G replaced by A.
Protein change: p.Val1875Ile; replaces valine 1875 with isoleucine.
Molecular consequence: missense variant.
Genome position (GRCh38, 1-based): chr5:177,280,565, G>A. VCF-style: chr5-177280565-G-A. GRCh37 (hg19) VCF-style: chr5-176707566-G-A.
Other names: c.4750G>A, p.Val1584Ile (NM_001365684.2, NM_001409308.1, NM_001409309.1 and 1 more transcripts); c.5623G>A, p.Val1875Ile (NM_001409301.1, NM_001409302.1, NM_001409303.1); c.5203G>A, p.Val1735Ile (NM_001409304.1); c.4870G>A, p.Val1624Ile (NM_001409305.1); c.4861G>A, p.Val1621Ile (NM_001409306.1, NM_001409307.1); short protein forms V1584I, V1624I, V1735I, V1621I, V1875I.
Identifiers: ClinVar variation 5003027 (VCV005003027.1).